The following is an entry in ClinVar:

ClinVar aggregate classification (germline): Uncertain significance (1 of 4 stars; one submission).

Submission:

Labcorp Genetics (formerly Invitae), Labcorp
Classification: Uncertain significance. Last evaluated: 2022-08-08. Review status: criteria provided, single submitter. Criteria: Invitae Variant Classification Sherloc (09022015). Collection method: clinical testing. Allele origin: germline.
Comment: In summary, the available evidence is currently insufficient to determine the role of this variant in disease. Therefore, it has been classified as a Variant of Uncertain Significance. Algorithms developed to predict the effect of missense changes on protein structure and function are either unavailable or do not agree on the potential impact of this missense change (SIFT: "Deleterious"; PolyPhen-2: "Possibly Damaging"; Align-GVGD: "Class C0"). This variant has not been reported in the literature in individuals affected with CAD-related conditions. This variant is not present in population databases (gnomAD no frequency). This sequence change replaces alanine, which is neutral and non-polar, with threonine, which is neutral and polar, at codon 556 of the CAD protein (p.Ala556Thr).

NM_004341.5(CAD):c.1666G>A (p.Ala556Thr)

Gene: CAD (carbamoyl-phosphate synthetase 2, aspartate transcarbamylase, and dihydroorotase; plus strand). Cytogenetic location: 2p23.3.
Variant type: single nucleotide variant.
Coding change: c.1666G>A on transcript NM_004341.5 (MANE Select); coding-DNA position 1666, G replaced by A.
Protein change: p.Ala556Thr; replaces alanine 556 with threonine.
Molecular consequence: missense variant.
Genome position (GRCh38, 1-based): chr2:27,225,750, G>A. VCF-style: chr2-27225750-G-A. GRCh37 (hg19) VCF-style: chr2-27448618-G-A.
Other names: c.1666G>A, p.Ala556Thr (NM_001306079.2); short protein forms A556T.
Identifiers: ClinVar variation 1715725 (VCV001715725.5), dbSNP rs2465303090, ClinGen allele CA346206033.